The following is an entry in ClinVar:

NM_000302.4(PLOD1):c.773C>T (p.Pro258Leu)

Gene: PLOD1 (procollagen-lysine,2-oxoglutarate 5-dioxygenase 1; plus strand). Cytogenetic location: 1p36.22.
Variant type: single nucleotide variant.
Coding change: c.773C>T on transcript NM_000302.4 (MANE Select); coding-DNA position 773, C replaced by T.
Protein change: p.Pro258Leu; replaces proline 258 with leucine.
Molecular consequence: missense variant.
Genome position (GRCh38, 1-based): chr1:11,957,873, C>T. VCF-style: chr1-11957873-C-T. GRCh37 (hg19) VCF-style: chr1-12017930-C-T.
Other names: c.914C>T, p.Pro305Leu (NM_001316320.2); short protein forms P258L, P305L.
Identifiers: ClinVar variation 618834 (VCV000618834.15), dbSNP rs766692124, ClinGen allele CA598132.
Genomic context (GRCh38, chr1:11,957,873, plus strand): 5'-TTCTCTGTGACCCCACGTCTCCCCGACAGCTGCAGTTGAACTACCTGGGCAACTACATCC[C>T]GCGCTTCTGGACCTTCGAAACAGGCTGCACCGTGTGTGACGAAGGCTTGCGCAGCCTCAA-3'
Protein context (NP_000293.2, residues 248-268): LQLNYLGNYI[Pro258Leu]RFWTFETGCT

ClinVar aggregate classification (germline): Uncertain significance. Review status: criteria provided, multiple submitters, no conflicts (2 of 4 stars). 3 submissions from 3 submitters: Uncertain significance (3). Last evaluated 2024-12-03.

Conditions:
Familial thoracic aortic aneurysm and aortic dissection (TAAD). Also called: Thoracic aortic aneurysms and dissections. Identifiers: Orphanet 91387, MedGen C4707243, MONDO:0019625.
Ehlers-Danlos syndrome, kyphoscoliotic type 1 (EDSKSCL1). Also called: PLOD1-Related Kyphoscoliotic Ehlers-Danlos Syndrome; EHLERS-DANLOS SYNDROME, TYPE VIA; Ehlers-Danlos syndrome, hydroxylysine-deficient; EHLERS-DANLOS SYNDROME, OCULAR-SCOLIOTIC TYPE. Identifiers: Orphanet 1900, MedGen C0268342, MONDO:0016002, OMIM 225400. Disease mechanism: loss of function.

Allele frequency attached by ClinVar (database versions not stated): gnomAD exomes 0.00001 and 0.00002; ExAC 0.00002; gnomAD 0.00005; TOPMed 0.00007.
gnomAD v4.1: 19 of 1,613,976 alleles (0.0012%); highest among the groups gnomAD compares: Middle Eastern, 0.016%; no homozygotes.

Submissions (3):

Ambry Genetics
Classification: Uncertain significance for Familial thoracic aortic aneurysm and aortic dissection. Last evaluated: 2024-12-03. Review status: criteria provided, single submitter. Criteria: Ambry Variant Classification Scheme 2023. Collection method: clinical testing. Allele origin: germline.

Labcorp Genetics (formerly Invitae), Labcorp
Classification: Uncertain significance for Ehlers-Danlos syndrome, kyphoscoliotic type 1. Last evaluated: 2021-08-31. Review status: criteria provided, single submitter. Criteria: Invitae Variant Classification Sherloc (09022015). Collection method: clinical testing. Allele origin: germline.
Comment: This sequence change replaces proline with leucine at codon 258 of the PLOD1 protein (p.Pro258Leu). The proline residue is highly conserved and there is a moderate physicochemical difference between proline and leucine. This variant is present in population databases (rs766692124, ExAC 0.02%). This variant has not been reported in the literature in individuals affected with PLOD1-related conditions. ClinVar contains an entry for this variant (Variation ID: 618834). Algorithms developed to predict the effect of missense changes on protein structure and function are either unavailable or do not agree on the potential impact of this missense change (SIFT: "Tolerated"; PolyPhen-2: "Probably Damaging"; Align-GVGD: "Class C15"). In summary, the available evidence is currently insufficient to determine the role of this variant in disease. Therefore, it has been classified as a Variant of Uncertain Significance.

ARUP Laboratories, Molecular Genetics and Genomics, ARUP Laboratories
Classification: Uncertain significance. Last evaluated: 2017-06-01. Review status: criteria provided, single submitter. Criteria: ARUP Molecular Germline Variant Investigation Process. Collection method: clinical testing. Allele origin: germline.
Comment: The p.Pro258Leu variant (rs766692124) has not been reported in the medical literature and is not listed in gene-specific variant databases. It is listed in the Genome Aggregation Database (gnomAD) browser with an overall frequency of 0.002% (identified in 5 out of 277,172 chromosomes). The proline at codon 258 is highly conserved considering 12 species up to Tetraodon (Alamut software v2.9), and computational analyses suggest this variant has a significant effect on PLOD1 protein structure/function (SIFT: damaging, PolyPhen2: probably damaging, and Mutation Taster: disease causing). However, based on the available information, the clinical significance of the p.Pro258Leu variant cannot be determined with certainty.